The following is an entry in ClinVar:

ClinVar aggregate classification (germline): Uncertain significance (1 of 4 stars; one submission).

Conditions:
Hypercholesterolemia, autosomal dominant, type B (FHCL2). Also called: APOB-Related Familial Hypercholesterolemia, Autosomal Dominant; Familial Hypercholesterolemia Type B; APOLIPOPROTEIN B-100, FAMILIAL DEFECTIVE; APOLIPOPROTEIN B-100, FAMILIAL LIGAND-DEFECTIVE; HYPERCHOLESTEROLEMIA, FAMILIAL, DUE TO LIGAND-DEFECTIVE APOLIPOPROTEIN B; Hyperlipoproteinemia Type IIb. Identifiers: MedGen C1704417, MONDO:0007751, OMIM 144010.
Familial hypobetalipoproteinemia 1. Also called: Hypobetalipoproteinemia, normotriglyceridemic; Acanthocytosis with hypobetalipoproteinemia; APOB-Related Familial Hypobetalipoproteinemia. Identifiers: MedGen C4551990, MONDO:0014252, OMIM 615558.

gnomAD v4.1: 1 of 1,614,044 alleles (0.000062%); highest among the groups gnomAD compares: Non-Finnish European, 0.000085%; no homozygotes.

Submission:

Labcorp Genetics (formerly Invitae), Labcorp
Classification: Uncertain significance for Familial hypobetalipoproteinemia 1; Hypercholesterolemia, autosomal dominant, type B. Last evaluated: 2023-10-14. Review status: criteria provided, single submitter. Criteria: Invitae Variant Classification Sherloc (09022015). Collection method: clinical testing. Allele origin: germline.
Comment: This sequence change replaces aspartic acid, which is acidic and polar, with asparagine, which is neutral and polar, at codon 1026 of the APOB protein (p.Asp1026Asn). This variant is not present in population databases (gnomAD no frequency). This variant has not been reported in the literature in individuals affected with APOB-related conditions. Advanced modeling of protein sequence and biophysical properties (such as structural, functional, and spatial information, amino acid conservation, physicochemical variation, residue mobility, and thermodynamic stability) performed at Invitae indicates that this missense variant is not expected to disrupt APOB protein function. In summary, the available evidence is currently insufficient to determine the role of this variant in disease. Therefore, it has been classified as a Variant of Uncertain Significance.

NM_000384.3(APOB):c.3076G>A (p.Asp1026Asn)

Gene: APOB (apolipoprotein B; minus strand). Cytogenetic location: 2p24.1.
Variant type: single nucleotide variant.
Coding change: c.3076G>A on transcript NM_000384.3 (MANE Select); coding-DNA position 3076, G replaced by A.
Protein change: p.Asp1026Asn; replaces aspartic acid 1026 with asparagine.
Molecular consequence: missense variant.
Genome position (GRCh38, 1-based): chr2:21,019,037, C>T on the plus strand (G>A on the coding strand, the complement: APOB is on the minus strand). VCF-style: chr2-21019037-C-T. GRCh37 (hg19) VCF-style: chr2-21241909-C-T.
Other names: short protein forms D1026N.
Identifiers: ClinVar variation 2928785 (VCV002928785.3), dbSNP rs1251220321, ClinGen allele CA346009891.
Genomic context (GRCh38, chr2:21,019,037, plus strand): 5'-GTTTTGAATACTCACCTTCTGCTTGAGTTACAAACTTCAGGGTATCCACCAAGGCTCTGT[C>T]CTCTCTCTGGAGCTCATAGGTTGCGCTGACAGAATACTGCTCAATCTCTCCTGTAGGCCT-3'
Protein context (NP_000375.3, residues 1016-1036): VSATYELQRE[Asp1026Asn]RALVDTLKFV